The following is an entry in ClinVar:

ClinVar aggregate classification (germline): Uncertain significance (1 of 4 stars; one submission).

Conditions:
Hereditary cancer-predisposing syndrome. Also called: Neoplastic Syndromes, Hereditary; Tumor predisposition; Hereditary neoplastic syndrome; Hereditary Cancer Syndrome. Identifiers: Orphanet 140162, MedGen C0027672, MeSH D009386, MONDO:0015356.

Submission:

Ambry Genetics
Classification: Uncertain significance for Hereditary cancer-predisposing syndrome. Last evaluated: 2024-04-26. Review status: criteria provided, single submitter. Criteria: Ambry Variant Classification Scheme 2023. Collection method: clinical testing. Allele origin: germline.
Comment: The p.R62I variant (also known as c.185G>T), located in coding exon 2 of the ATM gene, results from a G to T substitution at nucleotide position 185. The arginine at codon 62 is replaced by isoleucine, an amino acid with similar properties. However, this change occurs in the last base pair of coding exon 2, which makes it likely to have some effect on normal mRNA splicing. This nucleotide position is highly conserved in available vertebrate species. This amino acid position is well conserved in available vertebrate species. In silico splice site analysis predicts that this alteration will weaken the native splice donor site. In addition, as a missense substitution this is predicted to be inconclusive by in silico analysis. Based on the available evidence, the clinical significance of this variant remains unclear.

NM_000051.4(ATM):c.185G>T (p.Arg62Ile)

Gene: ATM (ATM serine/threonine kinase; plus strand). Cytogenetic location: 11q22.3.
Variant type: single nucleotide variant.
Coding change: c.185G>T on transcript NM_000051.4 (MANE Select); coding-DNA position 185, G replaced by T.
Protein change: p.Arg62Ile; replaces arginine 62 with isoleucine.
Molecular consequence: missense variant.
Genome position (GRCh38, 1-based): chr11:108,227,888, G>T. VCF-style: chr11-108227888-G-T. GRCh37 (hg19) VCF-style: chr11-108098615-G-T.
Other names: c.185G>T, p.Arg62Ile (NM_001351834.2, NM_001351835.2, NM_001351836.2); short protein forms R62I.
Identifiers: ClinVar variation 3325452 (VCV003325452.1).